The following is an entry in ClinVar:

NM_001135651.3(EIF2AK2):c.650C>G (p.Ser217Cys)

Gene: EIF2AK2 (eukaryotic translation initiation factor 2 alpha kinase 2; minus strand). Cytogenetic location: 2p22.2.
Variant type: single nucleotide variant.
Coding change: c.650C>G on transcript NM_001135651.3 (MANE Select); coding-DNA position 650, C replaced by G.
Protein change: p.Ser217Cys; replaces serine 217 with cysteine.
Molecular consequence: missense variant.
Genome position (GRCh38, 1-based): chr2:37,138,307, G>C on the plus strand (C>G on the coding strand, the complement: EIF2AK2 is on the minus strand). VCF-style: chr2-37138307-G-C. GRCh37 (hg19) VCF-style: chr2-37365450-G-C.
Other names: c.650C>G, p.Ser217Cys (NM_001135652.3, NM_002759.4); short protein forms S217C.
Identifiers: ClinVar variation 3633305 (VCV003633305.2).

ClinVar aggregate classification (germline): Uncertain significance (1 of 4 stars; one submission).

gnomAD v4.1: 2 of 1,613,926 alleles (0.00012%); highest among the groups gnomAD compares: Non-Finnish European, 0.00017%; no homozygotes.

Submission:

Labcorp Genetics (formerly Invitae), Labcorp
Classification: Uncertain significance. Last evaluated: 2024-11-25. Review status: criteria provided, single submitter. Criteria: Invitae Variant Classification Sherloc (09022015). Collection method: clinical testing. Allele origin: germline.
Comment: This sequence change replaces serine, which is neutral and polar, with cysteine, which is neutral and slightly polar, at codon 217 of the EIF2AK2 protein (p.Ser217Cys). This variant is present in population databases (rs372927806, gnomAD 0.0009%). This variant has not been reported in the literature in individuals affected with EIF2AK2-related conditions. An algorithm developed to predict the effect of missense changes on protein structure and function outputs the following: PolyPhen-2: "Benign". The cysteine amino acid residue is found in multiple mammalian species, which suggests that this missense change does not adversely affect protein function. In summary, the available evidence is currently insufficient to determine the role of this variant in disease. Therefore, it has been classified as a Variant of Uncertain Significance.